The following is an entry in ClinVar:

NM_000812.4(GABRB1):c.536T>C (p.Ile179Thr)

Gene: GABRB1 (gamma-aminobutyric acid type A receptor subunit beta1; plus strand). Cytogenetic location: 4p12.
Variant type: single nucleotide variant.
Coding change: c.536T>C on transcript NM_000812.4 (MANE Select); coding-DNA position 536, T replaced by C.
Protein change: p.Ile179Thr; replaces isoleucine 179 with threonine.
Molecular consequence: missense variant.
Genome position (GRCh38, 1-based): chr4:47,320,201, T>C. VCF-style: chr4-47320201-T-C. GRCh37 (hg19) VCF-style: chr4-47322218-T-C.
Other names: short protein forms I179T.
Identifiers: ClinVar variation 4875269 (VCV004875269.2).
Genomic context (GRCh38, chr4:47,320,201, plus strand): 5'-CTGCATGTATGATGGATCTTCGAAGATATCCATTGGATGAGCAGAACTGCACCCTGGAGA[T>C]CGAAAGTTGTGAGTTACTTGGACAGGGGAATGAAAAAGAGGGATTCTTCCTTGACCCAGT-3'
Protein context (NP_000803.2, residues 169-189): PLDEQNCTLE[Ile179Thr]ESYGYTTDDI

ClinVar aggregate classification (germline): Uncertain significance (1 of 4 stars; one submission).

Submission:

CeGaT Center for Human Genetics Tuebingen
Classification: Uncertain significance. Last evaluated: 2026-05-01. Review status: criteria provided, single submitter. Criteria: CeGaT Center For Human Genetics Tuebingen Variant Classification Criteria Version 2. Collection method: clinical testing. Allele origin: germline. Affected: yes. Observed: 1 variant allele.
Comment: GABRB1: PM2, PP2, PP3